The following is an entry in ClinVar:

ClinVar aggregate classification (germline): Likely benign (1 of 4 stars; one submission).

gnomAD v4.1: 351 of 1,614,176 alleles (0.022%); highest among the groups gnomAD compares: African/African-American, 0.38%; 1 homozygote.

Submission:

CeGaT Center for Human Genetics Tuebingen
Classification: Likely benign. Last evaluated: 2026-05-01. Review status: criteria provided, single submitter. Criteria: CeGaT Center For Human Genetics Tuebingen Variant Classification Criteria Version 2. Collection method: clinical testing. Allele origin: germline. Affected: yes. Observed: 1 variant allele.
Comment: RBM28: BP4, BP7

NM_018077.3(RBM28):c.1206T>C (p.Ala402=)

Gene: RBM28 (RNA binding motif protein 28; minus strand). Cytogenetic location: 7q32.1.
Variant type: single nucleotide variant.
Coding change: c.1206T>C on transcript NM_018077.3 (MANE Select); coding-DNA position 1206, T replaced by C.
Protein change: p.Ala402=; no amino-acid change (alanine 402 retained).
Molecular consequence: synonymous variant.
Genome position (GRCh38, 1-based): chr7:128,324,692, A>G on the plus strand (T>C on the coding strand, the complement: RBM28 is on the minus strand). VCF-style: chr7-128324692-A-G. GRCh37 (hg19) VCF-style: chr7-127964745-A-G.
Other names: c.783T>C, p.Ala261= (NM_001166135.2).
Identifiers: ClinVar variation 4872092 (VCV004872092.2).